The following is an entry in ClinVar:

NM_000094.4(COL7A1):c.2290C>T (p.Pro764Ser)

Gene: COL7A1 (collagen type VII alpha 1 chain; minus strand). Cytogenetic location: 3p21.31.
Variant type: single nucleotide variant.
Coding change: c.2290C>T on transcript NM_000094.4 (MANE Select); coding-DNA position 2290, C replaced by T.
Protein change: p.Pro764Ser; replaces proline 764 with serine.
Molecular consequence: missense variant.
Genome position (GRCh38, 1-based): chr3:48,589,351, G>A on the plus strand (C>T on the coding strand, the complement: COL7A1 is on the minus strand). VCF-style: chr3-48589351-G-A. GRCh37 (hg19) VCF-style: chr3-48626784-G-A.
Other names: short protein forms P764S.
Identifiers: ClinVar variation 2793980 (VCV002793980.3), dbSNP rs2045528925, ClinGen allele CA352723751.

ClinVar aggregate classification (germline): Uncertain significance (1 of 4 stars; one submission).

Allele frequency attached by ClinVar (database versions not stated): TOPMed below 0.00001; gnomAD 0.00001.

Submission:

Labcorp Genetics (formerly Invitae), Labcorp
Classification: Uncertain significance. Last evaluated: 2023-03-20. Review status: criteria provided, single submitter. Criteria: Invitae Variant Classification Sherloc (09022015). Collection method: clinical testing. Allele origin: germline.
Comment: This sequence change replaces proline, which is neutral and non-polar, with serine, which is neutral and polar, at codon 764 of the COL7A1 protein (p.Pro764Ser). This variant is not present in population databases (gnomAD no frequency). This variant has not been reported in the literature in individuals affected with COL7A1-related conditions. Advanced modeling of protein sequence and biophysical properties (such as structural, functional, and spatial information, amino acid conservation, physicochemical variation, residue mobility, and thermodynamic stability) performed at Invitae indicates that this missense variant is not expected to disrupt COL7A1 protein function. In summary, the available evidence is currently insufficient to determine the role of this variant in disease. Therefore, it has been classified as a Variant of Uncertain Significance.